The following is an entry in ClinVar:

ClinVar aggregate classification (germline): Uncertain significance (1 of 4 stars; one submission).

Conditions:
MYH3-related disorder. Also called: MYH3-Related Disorders; MYH3-related condition. Identifiers: MedGen CN239329.

Submission:

PreventionGenetics, part of Exact Sciences
Classification: Uncertain significance for MYH3-related condition. Last evaluated: 2025-09-12. Review status: criteria provided, single submitter. Criteria: ACMG Guidelines, 2015. Collection method: clinical testing. Allele origin: germline.
Comment: The MYH3 c.1472A>G variant is predicted to result in the amino acid substitution p.Asn491Ser. To our knowledge, this variant has not been reported in the literature or in a large population database (gnomAD), indicating this variant is rare. At this time, the clinical significance of this variant is uncertain due to the absence of conclusive functional and genetic evidence.

NM_002470.4(MYH3):c.1472A>G (p.Asn491Ser)

Gene: MYH3 (myosin heavy chain 3; minus strand). Cytogenetic location: 17p13.1.
Variant type: single nucleotide variant.
Coding change: c.1472A>G on transcript NM_002470.4 (MANE Select); coding-DNA position 1472, A replaced by G.
Protein change: p.Asn491Ser; replaces asparagine 491 with serine.
Molecular consequence: missense variant.
Genome position (GRCh38, 1-based): chr17:10,642,935, T>C on the plus strand (A>G on the coding strand, the complement: MYH3 is on the minus strand). VCF-style: chr17-10642935-T-C. GRCh37 (hg19) VCF-style: chr17-10546252-T-C.
Other names: short protein forms N491S.
Identifiers: ClinVar variation 4993356 (VCV004993356.1).